The following is an entry in ClinVar:

ClinVar aggregate classification (germline): Uncertain significance (1 of 4 stars; one submission).

Allele frequency attached by ClinVar (database versions not stated): gnomAD exomes below 0.00001; TOPMed below 0.00001.

Submission:

Labcorp Genetics (formerly Invitae), Labcorp
Classification: Uncertain significance. Last evaluated: 2024-12-16. Review status: criteria provided, single submitter. Criteria: Invitae Variant Classification Sherloc (09022015). Collection method: clinical testing. Allele origin: germline.
Comment: This sequence change replaces arginine, which is basic and polar, with cysteine, which is neutral and slightly polar, at codon 138 of the NDUFS8 protein (p.Arg138Cys). This variant is present in population databases (no rsID available, gnomAD 0.003%). This variant has not been reported in the literature in individuals affected with NDUFS8-related conditions. ClinVar contains an entry for this variant (Variation ID: 1958749). An algorithm developed to predict the effect of missense changes on protein structure and function (PolyPhen-2) suggests that this variant is likely to be disruptive. In summary, the available evidence is currently insufficient to determine the role of this variant in disease. Therefore, it has been classified as a Variant of Uncertain Significance.

NM_002496.4(NDUFS8):c.412C>T (p.Arg138Cys)

Gene: NDUFS8 (NADH:ubiquinone oxidoreductase core subunit S8; plus strand). Cytogenetic location: 11q13.2.
Variant type: single nucleotide variant.
Coding change: c.412C>T on transcript NM_002496.4 (MANE Select); coding-DNA position 412, C replaced by T.
Protein change: p.Arg138Cys; replaces arginine 138 with cysteine.
Molecular consequence: missense variant.
Genome position (GRCh38, 1-based): chr11:68,036,292, C>T. VCF-style: chr11-68036292-C-T. GRCh37 (hg19) VCF-style: chr11-67803759-C-T.
Other names: short protein forms R138C.
Identifiers: ClinVar variation 1958749 (VCV001958749.5), dbSNP rs201484242, ClinGen allele CA381568940.
Genomic context (GRCh38, chr11:68,036,292, plus strand): 5'-GTCTGGTGGCCCCTCCCGCAGGCCATCACCATCGAGGCTGAGCCAAGAGCTGATGGCAGC[C>T]GCCGGACCACCCGCTATGACATCGACATGACCAAGTGCATCTACTGCGGCTTCTGCCAGG-3'
Protein context (NP_002487.1, residues 128-148): IEAEPRADGS[Arg138Cys]RTTRYDIDMT